The following is an entry in ClinVar:

NM_002340.6(LSS):c.1348G>A (p.Gly450Ser)

Gene: LSS (lanosterol synthase; minus strand). Cytogenetic location: 21q22.3.
Variant type: single nucleotide variant.
Coding change: c.1348G>A on transcript NM_002340.6 (MANE Select); coding-DNA position 1348, G replaced by A.
Protein change: p.Gly450Ser; replaces glycine 450 with serine.
Molecular consequence: missense variant.
Genome position (GRCh38, 1-based): chr21:46,207,547, C>T on the plus strand (G>A on the coding strand, the complement: LSS is on the minus strand). VCF-style: chr21-46207547-C-T. GRCh37 (hg19) VCF-style: chr21-47627461-C-T.
Other names: c.1348G>A, p.Gly450Ser (NM_001001438.3); c.1315G>A, p.Gly439Ser (NM_001145436.2); c.1108G>A, p.Gly370Ser (NM_001145437.2); short protein forms G450S, G439S, G370S.
Identifiers: ClinVar variation 1418050 (VCV001418050.5), dbSNP rs375698498, ClinGen allele CA10075022.
Genomic context (GRCh38, chr21:46,207,547, plus strand): 5'-TCTCCTGCAGGAGCAGCACAGCCTTCAAGGCCTCAGCCGTGCAGTCAGAAACGATCCAGC[C>T]GCAGTCCAGCGTACTGAAGGAGAAGCCACCCTGCAGAGCACAAGCCATGACTCCAGGCTG-3'
Protein context (NP_002331.3, residues 440-460): GGFSFSTLDC[Gly450Ser]WIVSDCTAEA

ClinVar aggregate classification (germline): Uncertain significance (1 of 4 stars; one submission).

Allele frequency attached by ClinVar (database versions not stated): ESP Exome Variant Server 0.00008; gnomAD 0.00011; gnomAD exomes 0.00011 and 0.00026; 1000 Genomes Project 30x 0.00016; TOPMed 0.00017; 1000 Genomes Project 0.00020; ExAC 0.00023.
gnomAD v4.1: 179 of 1,610,178 alleles (0.011%); highest among the groups gnomAD compares: Admixed American, 0.1%; no homozygotes.

Submission:

Labcorp Genetics (formerly Invitae), Labcorp
Classification: Uncertain significance. Last evaluated: 2025-10-01. Review status: criteria provided, single submitter. Criteria: Invitae Variant Classification Sherloc (09022015). Collection method: clinical testing. Allele origin: germline.
Comment: This sequence change replaces glycine, which is neutral and non-polar, with serine, which is neutral and polar, at codon 450 of the LSS protein (p.Gly450Ser). This variant is present in population databases (rs375698498, gnomAD 0.1%). This variant has not been reported in the literature in individuals affected with LSS-related conditions. ClinVar contains an entry for this variant (Variation ID: 1418050). An algorithm developed to predict the effect of missense changes on protein structure and function (PolyPhen-2) suggests that this variant is likely to be tolerated. In summary, the available evidence is currently insufficient to determine the role of this variant in disease. Therefore, it has been classified as a Variant of Uncertain Significance.